The following is an entry in ClinVar:

ClinVar aggregate classification (germline): Benign/Likely benign. Review status: criteria provided, multiple submitters, no conflicts (2 of 4 stars). 2 submissions from 2 submitters: Benign (1); Likely benign (1). Last evaluated 2026-09-01.

Allele frequency attached by ClinVar (database versions not stated): 1000 Genomes Project 30x 0.00297; 1000 Genomes Project 0.00319; ExAC 0.00538; gnomAD 0.00561 and 0.00564; TOPMed 0.00564; ESP Exome Variant Server 0.00589; gnomAD exomes 0.00594 and 0.00670.
gnomAD v4.1: 9,634 of 1,464,304 alleles (0.66%); highest among the groups gnomAD compares: Non-Finnish European, 0.75%; 49 homozygotes.

Submissions (2):

CeGaT Center for Human Genetics Tuebingen
Classification: Likely benign. Last evaluated: 2026-09-01. Review status: criteria provided, single submitter. Criteria: CeGaT Center For Human Genetics Tuebingen Variant Classification Criteria Version 2. Collection method: clinical testing. Allele origin: germline. Affected: yes. Observed: 43 variant alleles.
Comment: RNF13: BP4, BS2

Labcorp Genetics (formerly Invitae), Labcorp
Classification: Benign. Last evaluated: 2026-01-28. Review status: criteria provided, single submitter. Criteria: Invitae Variant Classification Sherloc (09022015). Collection method: clinical testing. Allele origin: germline.

NM_183381.3(RNF13):c.492T>C (p.Tyr164=)

Gene: RNF13 (ring finger protein 13; plus strand). Cytogenetic location: 3q25.1.
Variant type: single nucleotide variant.
Coding change: c.492T>C on transcript NM_183381.3 (MANE Select); coding-DNA position 492, T replaced by C.
Protein change: p.Tyr164=; no amino-acid change (tyrosine 164 retained).
Molecular consequence: synonymous variant. On other transcripts: non-coding transcript variant (1).
Genome position (GRCh38, 1-based): chr3:149,902,154, T>C. VCF-style: chr3-149902154-T-C. GRCh37 (hg19) VCF-style: chr3-149619941-T-C.
Other names: c.492T>C, p.Tyr164= (NM_001378285.1, NM_001378286.1, NM_007282.4); c.135T>C, p.Tyr45= (NM_001378287.1, NM_001378288.1, NM_001378289.1 and 2 more transcripts); c.99T>C, p.Tyr33= (NM_001378291.1).
Identifiers: ClinVar variation 1632824 (VCV001632824.32), dbSNP rs148516101, ClinGen allele CA2663007.